The following is an entry in ClinVar:

ClinVar aggregate classification (germline): Conflicting classifications of pathogenicity. Review status: criteria provided, conflicting classifications (1 of 4 stars). 2 submissions from 2 submitters: Pathogenic (1); Uncertain significance (1). Last evaluated 2025-11-03.

Conditions:
Agenesis of corpus callosum, cardiac, ocular, and genital syndrome. Identifiers: MedGen C5394523, MONDO:0030065, OMIM 618929.

Submissions (2):

3billion
Classification: Uncertain significance for Agenesis of corpus callosum, cardiac, ocular, and genital syndrome. Last evaluated: 2025-11-03. Review status: criteria provided, single submitter. Criteria: ACMG Guidelines, 2015. Collection method: clinical testing. Allele origin: germline. Affected: yes.
Comment: The variant is not observed in the gnomAD v4.1.0 dataset. Predicted Consequence/Location: Missense variant In silico tool predictions suggest damaging effect of the variant on gene or gene product [REVEL: 0.68 (>=0.6, sensitivity 0.68 and specificity 0.92)]. The same nucleotide change resulting in the same amino acid change has been previously reported to be associated with CDH2-related disorder (ClinVar ID: VCV003769872). However, the evidence of pathogenicity is insufficient at this time. Therefore, this variant is classified as VUS according to the recommendation of ACMG/AMP guideline.

GeneDx
Classification: Pathogenic. Last evaluated: 2025-07-14. Review status: criteria provided, single submitter. Criteria: GeneDx Variant Classification Process June 2021. Collection method: clinical testing. Allele origin: germline.
Comment: Not observed at significant frequency in large population cohorts (gnomAD); In silico analysis supports that this missense variant has a deleterious effect on protein structure/function; Has not been previously published as pathogenic or benign to our knowledge

NM_001792.5(CDH2):c.1522G>A (p.Glu508Lys)

Gene: CDH2 (cadherin 2; minus strand). Cytogenetic location: 18q12.1.
Variant type: single nucleotide variant.
Coding change: c.1522G>A on transcript NM_001792.5 (MANE Select); coding-DNA position 1522, G replaced by A.
Protein change: p.Glu508Lys; replaces glutamic acid 508 with lysine.
Molecular consequence: missense variant.
Genome position (GRCh38, 1-based): chr18:27,990,173, C>T on the plus strand (G>A on the coding strand, the complement: CDH2 is on the minus strand). VCF-style: chr18-27990173-C-T. GRCh37 (hg19) VCF-style: chr18-25570137-C-T.
Other names: c.1429G>A, p.Glu477Lys (NM_001308176.2); short protein forms E477K, E508K.
Identifiers: ClinVar variation 3769872 (VCV003769872.3).